The following is an entry in ClinVar:

ClinVar aggregate classification (germline): Uncertain significance (1 of 4 stars; one submission).

Conditions:
Hereditary cancer-predisposing syndrome. Also called: Hereditary Cancer Syndrome; Tumor predisposition; Hereditary neoplastic syndrome; Neoplastic Syndromes, Hereditary. Identifiers: Orphanet 140162, MedGen C0027672, MeSH D009386, MONDO:0015356.

Submission:

Ambry Genetics
Classification: Uncertain significance for Hereditary cancer-predisposing syndrome. Last evaluated: 2024-06-28. Review status: criteria provided, single submitter. Criteria: Ambry Variant Classification Scheme 2023. Collection method: clinical testing. Allele origin: germline.
Comment: The p.K1092N variant (also known as c.3276A>T), located in coding exon 5 of the MSH6 gene, results from an A to T substitution at nucleotide position 3276. The lysine at codon 1092 is replaced by asparagine, an amino acid with similar properties. This amino acid position is conserved. In addition, the in silico prediction for this alteration is inconclusive. Based on the available evidence, the clinical significance of this variant remains unclear.

NM_000179.3(MSH6):c.3276A>T (p.Lys1092Asn)

Gene: MSH6 (mutS homolog 6; plus strand). Cytogenetic location: 2p16.3.
Variant type: single nucleotide variant.
Coding change: c.3276A>T on transcript NM_000179.3 (MANE Select); coding-DNA position 3276, A replaced by T.
Protein change: p.Lys1092Asn; replaces lysine 1092 with asparagine.
Molecular consequence: missense variant. On other transcripts: non-coding transcript variant (5), intron variant (1).
Genome position (GRCh38, 1-based): chr2:47,803,523, A>T. VCF-style: chr2-47803523-A-T. GRCh37 (hg19) VCF-style: chr2-48030662-A-T.
Other names: c.2886A>T, p.Lys962Asn (NM_001281492.2); c.2370A>T, p.Lys790Asn (NM_001281493.2, NM_001281494.2, NM_001406811.1 and 6 more transcripts); c.3372A>T, p.Lys1124Asn (NM_001406795.1, NM_001406802.1); c.3276A>T, p.Lys1092Asn (NM_001406796.1, NM_001406800.1, NM_001406808.1 and 1 more transcripts); c.2979A>T, p.Lys993Asn (NM_001406797.1, NM_001406801.1, NM_001406805.1 and 10 more transcripts); c.2751A>T, p.Lys917Asn (NM_001406799.1, NM_001406806.1, NM_001406807.1); c.2412A>T, p.Lys804Asn (NM_001406803.1); c.3198A>T, p.Lys1066Asn (NM_001406804.1); and 7 more; short protein forms K1092N, K407N, K804N, K962N, K1036N, K19N, K41N, K790N.
Identifiers: ClinVar variation 3398867 (VCV003398867.1).